The following is an entry in ClinVar:

ClinVar aggregate classification (germline): Pathogenic (1 of 4 stars; one submission).

Conditions:
Hereditary hemochromatosis (HFE). Identifiers: MedGen C0392514, MONDO:0006507. Disease mechanism: loss of function.

gnomAD v4.1: 7 of 1,613,988 alleles (0.00043%); highest among the groups gnomAD compares: Admixed American, 0.01%; no homozygotes.

Submission:

Labcorp Genetics (formerly Invitae), Labcorp
Classification: Pathogenic for Hereditary hemochromatosis. Last evaluated: 2024-01-09. Review status: criteria provided, single submitter. Criteria: Invitae Variant Classification Sherloc (09022015). Collection method: clinical testing. Allele origin: germline.
Comment: This sequence change creates a premature translational stop signal (p.Tyr138*) in the HFE gene. It is expected to result in an absent or disrupted protein product. Loss-of-function variants in HFE are known to be pathogenic (PMID: 27518069). This variant is present in population databases (no rsID available, gnomAD 0.003%). This premature translational stop signal has been observed in individual(s) with clinical features of hereditary hemochromatosis (PMID: 18762941). ClinVar contains an entry for this variant (Variation ID: 1458886). Algorithms developed to predict the effect of sequence changes on RNA splicing suggest that this variant may disrupt the consensus splice site. For these reasons, this variant has been classified as Pathogenic.

Literature cited by the submitters: PubMed 27518069; PubMed 18762941.

NM_000410.4(HFE):c.414C>G (p.Tyr138Ter)

Gene: HFE (homeostatic iron regulator; plus strand). Cytogenetic location: 6p22.2.
Variant type: single nucleotide variant.
Coding change: c.414C>G on transcript NM_000410.4 (MANE Select); coding-DNA position 414, C replaced by G.
Protein change: p.Tyr138Ter; replaces tyrosine 138 with a stop codon.
Molecular consequence: nonsense. On other transcripts: intron variant (4).
Genome position (GRCh38, 1-based): chr6:26,091,387, C>G. VCF-style: chr6-26091387-C-G. GRCh37 (hg19) VCF-style: chr6-26091615-C-G.
Other names: c.414C>G, p.Tyr138Ter (NM_001300749.3, NM_001384164.1, NM_001406751.1 and 1 more transcripts); c.150C>G, p.Tyr50Ter (NM_001406752.1, NM_139007.3, NM_139008.3); c.345C>G, p.Tyr115Ter (NM_139009.3); c.340+283C>G (NM_139004.3, NM_139003.3); c.77-1298C>G (NM_139010.3); c.77-1732C>G (NM_139011.3); short protein forms Y115*, Y138*, Y50*.
Identifiers: ClinVar variation 1458886 (VCV001458886.9), dbSNP rs780563614, ClinGen allele CA136292027.